The following is an entry in ClinVar:

ClinVar aggregate classification (germline): Uncertain significance (1 of 4 stars; one submission).

gnomAD v4.1: 1 of 1,613,900 alleles (0.000062%); highest among the groups gnomAD compares: Admixed American, 0.0017%; no homozygotes.

Submission:

GeneDx
Classification: Uncertain significance. Last evaluated: 2026-04-10. Review status: criteria provided, single submitter. Criteria: GeneDx Variant Classification Process June 2021. Collection method: clinical testing. Allele origin: germline.
Comment: Not observed at significant frequency in large population cohorts (gnomAD); In silico analysis supports that this missense variant has a deleterious effect on protein structure/function; Has not been previously published as pathogenic or benign to our knowledge

NM_001923.5(DDB1):c.1552T>C (p.Tyr518His)

Gene: DDB1 (damage specific DNA binding protein 1; minus strand). Cytogenetic location: 11q12.2.
Variant type: single nucleotide variant.
Coding change: c.1552T>C on transcript NM_001923.5 (MANE Select); coding-DNA position 1552, T replaced by C.
Protein change: p.Tyr518His; replaces tyrosine 518 with histidine.
Molecular consequence: missense variant.
Genome position (GRCh38, 1-based): chr11:61,314,345, A>G on the plus strand (T>C on the coding strand, the complement: DDB1 is on the minus strand). VCF-style: chr11-61314345-A-G. GRCh37 (hg19) VCF-style: chr11-61081817-A-G.
Other names: short protein forms Y518H.
Identifiers: ClinVar variation 5018341 (VCV005018341.1).